The following is an entry in ClinVar:

NM_020343.4(RALGAPA2):c.2776G>C (p.Asp926His)

Gene: RALGAPA2 (Ral GTPase activating protein catalytic subunit alpha 2; minus strand). Cytogenetic location: 20p11.23.
Variant type: single nucleotide variant.
Coding change: c.2776G>C on transcript NM_020343.4 (MANE Select); coding-DNA position 2776, G replaced by C.
Protein change: p.Asp926His; replaces aspartic acid 926 with histidine.
Molecular consequence: missense variant.
Genome position (GRCh38, 1-based): chr20:20,573,000, C>G on the plus strand (G>C on the coding strand, the complement: RALGAPA2 is on the minus strand). VCF-style: chr20-20573000-C-G. GRCh37 (hg19) VCF-style: chr20-20553644-C-G.
Other names: short protein forms D926H.
Identifiers: ClinVar variation 4150165 (VCV004150165.2).

ClinVar aggregate classification (germline): Uncertain significance. Review status: criteria provided, multiple submitters, no conflicts (2 of 4 stars). 2 submissions from 2 submitters: Uncertain significance (2). Last evaluated 2025-06-17.

gnomAD v4.1: 5 of 1,610,658 alleles (0.00031%); highest among the groups gnomAD compares: Middle Eastern, 0.033%; no homozygotes.

Submissions (2):

Ambry Genetics
Classification: Uncertain significance. Last evaluated: 2025-06-17. Review status: criteria provided, single submitter. Criteria: Ambry Variant Classification Scheme 2023. Collection method: clinical testing. Allele origin: germline.

Greenwood Genetic Center Diagnostic Laboratories, Greenwood Genetic Center
Classification: Uncertain significance. Last evaluated: 2025-05-06. Review status: criteria provided, single submitter. Criteria: ACMG Guidelines, 2015. Collection method: clinical testing. Allele origin: germline. Affected: yes.
Comment: Gene of Uncertain Significance